The following is an entry in ClinVar:

NM_015693.4(INTU):c.1260-6C>G

Genes: INTU (inturned planar cell polarity protein; plus strand), LOC126807151 (CDK7 strongly-dependent group 2 enhancer GRCh37_chr4:128607842-128609041; plus strand). Cytogenetic location: 4q28.1.
Variant type: single nucleotide variant.
Coding change: c.1260-6C>G on transcript NM_015693.4 (MANE Select); 6 bases into the intron before coding-DNA position 1260, C replaced by G.
Molecular consequence: intron variant.
Genome position (GRCh38, 1-based): chr4:127,687,672, C>G. VCF-style: chr4-127687672-C-G. GRCh37 (hg19) VCF-style: chr4-128608827-C-G.
Identifiers: ClinVar variation 1962021 (VCV001962021.5), dbSNP rs1166704381, ClinGen allele CA786906056.

ClinVar aggregate classification (germline): Uncertain significance (1 of 4 stars; one submission).

Allele frequency attached by ClinVar (database versions not stated): TOPMed below 0.00001; gnomAD 0.00001.
gnomAD v4.1: 2 of 1,603,824 alleles (0.00012%); highest among the groups gnomAD compares: Non-Finnish European, 0.00017%; no homozygotes.

Submission:

Labcorp Genetics (formerly Invitae), Labcorp
Classification: Uncertain significance. Last evaluated: 2022-05-14. Review status: criteria provided, single submitter. Criteria: Invitae Variant Classification Sherloc (09022015). Collection method: clinical testing. Allele origin: germline.
Comment: In summary, the available evidence is currently insufficient to determine the role of this variant in disease. Therefore, it has been classified as a Variant of Uncertain Significance. Algorithms developed to predict the effect of sequence changes on RNA splicing suggest that this variant may disrupt the consensus splice site. This variant has not been reported in the literature in individuals affected with INTU-related conditions. This variant is not present in population databases (gnomAD no frequency). This sequence change falls in intron 7 of the INTU gene. It does not directly change the encoded amino acid sequence of the INTU protein.